The following is an entry in ClinVar:

ClinVar aggregate classification (germline): Likely pathogenic (1 of 4 stars; one submission).

Conditions:
Severe intellectual disability-progressive spastic diplegia syndrome (NEDSDV). Also called: NEURODEVELOPMENTAL DISORDER WITH SPASTIC DIPLEGIA AND VISUAL DEFECTS; CTNNB1 Neurodevelopmental Disorder. Identifiers: Orphanet 404473, MedGen C3554449, MONDO:0014035, OMIM 615075.

Submission:

Women's Health and Genetics/Laboratory Corporation of America, LabCorp
Classification: Likely pathogenic for Severe intellectual disability-progressive spastic diplegia syndrome. Last evaluated: 2023-07-06. Review status: criteria provided, single submitter. Criteria: LabCorp Variant Classification Summary - May 2015. Collection method: clinical testing. Allele origin: germline.
Comment: Variant summary: The variant identified by MLPA or other technology involves the deletion of exons 2-7 in the CTNNB1 gene, where exon 2 contains the initiation codon. A presumed nomenclature of c.(-49+1_-48-1)_(1081+1_1082-1)del has been designated for the purposes of this classification. The variant was absent in 21694 control chromosomes. To our knowledge, no occurrence of c.(-49+1_-48-1)_(1081+1_1082-1)del in individuals affected with Severe Intellectual Disability-Progressive Spastic Diplegia Syndrome and no experimental evidence demonstrating its impact on protein function have been reported. One submitter has cited clinical-significance assessments for this variant to ClinVar after 2014 and has classified the variant as likely pathogenic. Based on the evidence outlined above, the variant was classified as likely pathogenic.

NC_000003.11:g.(41241162_41265511)_(41268844_41274831)del

Gene: CTNNB1 (catenin beta 1; plus strand). Cytogenetic location: 3p22.1.
Variant type: Deletion.
Identifiers: ClinVar variation 2577362 (VCV002577362.1).